The following is an entry in ClinVar:

NM_004211.5(SLC6A5):c.1505C>T (p.Thr502Ile)

Gene: SLC6A5 (solute carrier family 6 member 5; plus strand). Cytogenetic location: 11p15.1.
Variant type: single nucleotide variant.
Coding change: c.1505C>T on transcript NM_004211.5 (MANE Select); coding-DNA position 1505, C replaced by T.
Protein change: p.Thr502Ile; replaces threonine 502 with isoleucine.
Molecular consequence: missense variant.
Genome position (GRCh38, 1-based): chr11:20,630,696, C>T. VCF-style: chr11-20630696-C-T. GRCh37 (hg19) VCF-style: chr11-20652242-C-T.
Other names: c.803C>T, p.Thr268Ile (NM_001318369.2); short protein forms T268I, T502I.
Identifiers: ClinVar variation 1405156 (VCV001405156.8), dbSNP rs2133802940, ClinGen allele CA379917415.
Genomic context (GRCh38, chr11:20,630,696, plus strand): 5'-TCCCTTTCCACTCACCAAGCACACCTAATGGAAAACTCTGGTCTCTTCCTTCCAGGGACA[C>T]TCTAATTGTCACCTGCACCAACAGTGCCACAAGCATCTTTGCCGGCTTCGTCATCTTCTC-3'
Protein context (NP_004202.4, residues 492-512): NKFHNNCYRD[Thr502Ile]LIVTCTNSAT

ClinVar aggregate classification (germline): Uncertain significance (1 of 4 stars; one submission).

Conditions:
Hyperekplexia 3 (HKPX3). Also called: HYPEREKPLEXIA 3, AUTOSOMAL RECESSIVE; HYPEREKPLEXIA 3, AUTOSOMAL DOMINANT. Identifiers: Orphanet 3197, MedGen C3553288, MONDO:0013827, OMIM 614618.

Submission:

Labcorp Genetics (formerly Invitae), Labcorp
Classification: Uncertain significance for Hyperekplexia 3. Last evaluated: 2021-01-28. Review status: criteria provided, single submitter. Criteria: Invitae Variant Classification Sherloc (09022015). Collection method: clinical testing. Allele origin: germline.
Comment: In summary, the available evidence is currently insufficient to determine the role of this variant in disease. Therefore, it has been classified as a Variant of Uncertain Significance. Algorithms developed to predict the effect of missense changes on protein structure and function are either unavailable or do not agree on the potential impact of this missense change (SIFT: "Deleterious"; PolyPhen-2: "Probably Damaging"; Align-GVGD: "Class C15"). This variant has not been reported in the literature in individuals with SLC6A5-related conditions. This variant is not present in population databases (ExAC no frequency). This sequence change replaces threonine with isoleucine at codon 502 of the SLC6A5 protein (p.Thr502Ile). The threonine residue is highly conserved and there is a moderate physicochemical difference between threonine and isoleucine.